The following is an entry in ClinVar:

ClinVar aggregate classification (germline): Uncertain significance (1 of 4 stars; one submission).

Submission:

Labcorp Genetics (formerly Invitae), Labcorp
Classification: Uncertain significance. Last evaluated: 2025-05-31. Review status: criteria provided, single submitter. Criteria: Invitae Variant Classification Sherloc (09022015). Collection method: clinical testing. Allele origin: germline.
Comment: This sequence change replaces methionine, which is neutral and non-polar, with threonine, which is neutral and polar, at codon 161 of the FCHO1 protein (p.Met161Thr). This variant is not present in population databases (gnomAD no frequency). This variant has not been reported in the literature in individuals affected with FCHO1-related conditions. An algorithm developed to predict the effect of missense changes on protein structure and function (PolyPhen-2) suggests that this variant is likely to be tolerated. In summary, the available evidence is currently insufficient to determine the role of this variant in disease. Therefore, it has been classified as a Variant of Uncertain Significance.

NM_015122.3(FCHO1):c.482T>C (p.Met161Thr)

Gene: FCHO1 (FCH and mu domain containing endocytic adaptor 1; plus strand). Cytogenetic location: 19p13.11.
Variant type: single nucleotide variant.
Coding change: c.482T>C on transcript NM_015122.3 (MANE Select); coding-DNA position 482, T replaced by C.
Protein change: p.Met161Thr; replaces methionine 161 with threonine.
Molecular consequence: missense variant. On other transcripts: non-coding transcript variant (36).
Genome position (GRCh38, 1-based): chr19:17,770,570, T>C. VCF-style: chr19-17770570-T-C. GRCh37 (hg19) VCF-style: chr19-17881379-T-C.
Other names: c.482T>C, p.Met161Thr (NM_001161357.2, NM_001161358.2, NM_001384370.1 and 26 more transcripts); c.332T>C, p.Met111Thr (NM_001161359.2, NM_001384384.1, NM_001384385.1 and 3 more transcripts); c.443T>C, p.Met148Thr (NM_001384388.1, NM_001384389.1, NM_001384405.1); c.407T>C, p.Met136Thr (NM_001384390.1); short protein forms M111T, M136T, M148T, M161T.
Identifiers: ClinVar variation 4807695 (VCV004807695.1).